The following is an entry in ClinVar:

NM_003119.4(SPG7):c.2117T>C (p.Leu706Pro)

Gene: SPG7 (SPG7 matrix AAA peptidase subunit, paraplegin; plus strand). Cytogenetic location: 16q24.3.
Variant type: single nucleotide variant.
Coding change: c.2117T>C on transcript NM_003119.4 (MANE Select); coding-DNA position 2117, T replaced by C.
Protein change: p.Leu706Pro; replaces leucine 706 with proline.
Molecular consequence: missense variant.
Genome position (GRCh38, 1-based): chr16:89,554,499, T>C. VCF-style: chr16-89554499-T-C. GRCh37 (hg19) VCF-style: chr16-89620907-T-C.
Other names: p.Leu706Pro; c.2117T>C, p.Leu706Pro (NM_001363850.1); short protein forms L706P.
Identifiers: ClinVar variation 3380446 (VCV003380446.1).

ClinVar aggregate classification (germline): Uncertain significance (1 of 4 stars; one submission).

Submission:

Mayo Clinic Laboratories, Mayo Clinic
Classification: Uncertain significance. Last evaluated: 2024-06-18. Review status: criteria provided, single submitter. Criteria: ACMG Guidelines, 2015. Collection method: clinical testing. Allele origin: germline. Observed: 1 variant allele.
Comment: PP3, PM2